The following is an entry in ClinVar:

NM_016284.5(CNOT1):c.6671C>T (p.Thr2224Ile)

Gene: CNOT1 (CCR4-NOT transcription complex subunit 1; minus strand). Cytogenetic location: 16q21.
Variant type: single nucleotide variant.
Coding change: c.6671C>T on transcript NM_016284.5 (MANE Select); coding-DNA position 6671, C replaced by T.
Protein change: p.Thr2224Ile; replaces threonine 2224 with isoleucine.
Molecular consequence: missense variant. On other transcripts: non-coding transcript variant (1).
Genome position (GRCh38, 1-based): chr16:58,525,292, G>A on the plus strand (C>T on the coding strand, the complement: CNOT1 is on the minus strand). VCF-style: chr16-58525292-G-A. GRCh37 (hg19) VCF-style: chr16-58559196-G-A.
Other names: c.6656C>T, p.Thr2219Ile (NM_001265612.2); short protein forms T2219I, T2224I.
Identifiers: ClinVar variation 4975969 (VCV004975969.1).

ClinVar aggregate classification (germline): Uncertain significance (1 of 4 stars; one submission).

Submission:

GeneDx
Classification: Uncertain significance. Last evaluated: 2026-01-31. Review status: criteria provided, single submitter. Criteria: GeneDx Variant Classification Process June 2021. Collection method: clinical testing. Allele origin: germline.
Comment: Not observed at significant frequency in large population cohorts (gnomAD); In silico analysis supports that this missense variant has a deleterious effect on protein structure/function; Has not been previously published as pathogenic or benign to our knowledge